The following is an entry in ClinVar:

ClinVar aggregate classification (germline): Uncertain significance. Review status: criteria provided, multiple submitters, no conflicts (2 of 4 stars). 3 submissions from 3 submitters: Uncertain significance (3). Last evaluated 2025-11-15.

Conditions:
Inborn genetic diseases. Identifiers: MedGen C0950123, MeSH D030342.
Epidermolysis bullosa simplex with nail dystrophy (EBS5D). Identifiers: MedGen C4225309, MONDO:0014661, OMIM 616487.
Epidermolysis bullosa simplex 5C, with pyloric atresia (EBS5C). Also called: PLEC-Related Epidermolysis Bullosa with Pyloric Atresia; Epidermolysis bullosa simplex with pyloric atresia; PLEC1-Related Epidermolysis Bullosa with Pyloric Atresia. Identifiers: Orphanet 158684, MedGen C2677349, MONDO:0012807, OMIM 612138.
Autosomal recessive limb-girdle muscular dystrophy type 2Q (LGMDR17). Also called: MUSCULAR DYSTROPHY, LIMB-GIRDLE, AUTOSOMAL RECESSIVE 17. Identifiers: Orphanet 254361, MedGen C3150989, MONDO:0013390, OMIM 613723.
Epidermolysis bullosa simplex 5B, with muscular dystrophy (EBS5B). Also called: EPIDERMOLYSIS BULLOSA SIMPLEX AND LIMB-GIRDLE MUSCULAR DYSTROPHY; Epidermolysis bullosa simplex with muscular dystrophy. Identifiers: Orphanet 257, MedGen C2931072, MONDO:0009181, OMIM 226670.
Epidermolysis bullosa simplex, Ogna type (EBS5A). Also called: Pidermolysis bullosa simplex 5A, Ogna type; EPIDERMOLYSIS BULLOSA SIMPLEX 5A, OGNA TYPE. Identifiers: Orphanet 79401, MedGen C0432317, MONDO:0007555, OMIM 131950.

Allele frequency attached by ClinVar (database versions not stated): gnomAD 0.00001 and 0.00002; gnomAD exomes 0.00002; ExAC 0.00003.
gnomAD v4.1: 32 of 1,605,048 alleles (0.002%); highest among the groups gnomAD compares: East Asian, 0.0022%; no homozygotes.

Submissions (3):

Labcorp Genetics (formerly Invitae), Labcorp
Classification: Uncertain significance for Autosomal recessive limb-girdle muscular dystrophy type 2Q; Epidermolysis bullosa simplex, Ogna type; Epidermolysis bullosa simplex with nail dystrophy; Epidermolysis bullosa simplex 5C, with pyloric atresia; Epidermolysis bullosa simplex 5B, with muscular dystrophy. Last evaluated: 2025-11-15. Review status: criteria provided, single submitter. Criteria: Invitae Variant Classification Sherloc (09022015). Collection method: clinical testing. Allele origin: germline.
Comment: This sequence change replaces arginine, which is basic and polar, with cysteine, which is neutral and slightly polar, at codon 3799 of the PLEC protein (p.Arg3799Cys). This variant is present in population databases (rs782737268, gnomAD 0.006%). This variant has not been reported in the literature in individuals affected with PLEC-related conditions. ClinVar contains an entry for this variant (Variation ID: 282828). An algorithm developed to predict the effect of missense changes on protein structure and function (PolyPhen-2) suggests that this variant is likely to be disruptive. In summary, the available evidence is currently insufficient to determine the role of this variant in disease. Therefore, it has been classified as a Variant of Uncertain Significance.

Ambry Genetics
Classification: Uncertain significance for Inborn genetic diseases. Last evaluated: 2023-12-14. Review status: criteria provided, single submitter. Criteria: Ambry Variant Classification Scheme 2023. Collection method: clinical testing. Allele origin: germline.

Eurofins Ntd Llc (ga)
Classification: Uncertain significance. Last evaluated: 2015-08-19. Review status: criteria provided, single submitter. Criteria: EGL Classification Definitions 2015. Collection method: clinical testing. Allele origin: germline. Observed: 1 variant allele, 1 heterozygote.

NM_201384.3(PLEC):c.11314C>T (p.Arg3772Cys)

Gene: PLEC (plectin; minus strand). Cytogenetic location: 8q24.3.
Variant type: single nucleotide variant.
Coding change: c.11314C>T on transcript NM_201384.3 (MANE Select); coding-DNA position 11314, C replaced by T.
Protein change: p.Arg3772Cys; replaces arginine 3772 with cysteine.
Molecular consequence: missense variant.
Genome position (GRCh38, 1-based): chr8:143,918,507, G>A on the plus strand (C>T on the coding strand, the complement: PLEC is on the minus strand). VCF-style: chr8-143918507-G-A. GRCh37 (hg19) VCF-style: chr8-144992675-G-A.
Other names: c.11395C>T, p.Arg3799Cys (NM_000445.5); c.11272C>T, p.Arg3758Cys (NM_201378.4); c.11248C>T, p.Arg3750Cys (NM_201379.3); c.11725C>T, p.Arg3909Cys (NM_201380.4); c.11218C>T, p.Arg3740Cys (NM_201381.3); c.11314C>T, p.Arg3772Cys (NM_201382.4); c.11326C>T, p.Arg3776Cys (NM_201383.3); c.11395C>T (NM_000445.3); short protein forms R3799C, R3740C, R3758C, R3909C, R3750C, R3772C, R3776C.
Identifiers: ClinVar variation 282828 (VCV000282828.9), dbSNP rs782737268, ClinGen allele CA4924381.